The following is an entry in ClinVar:

ClinVar aggregate classification (germline): Uncertain significance. Review status: criteria provided, single submitter (1 of 4 stars). 2 submissions from 2 submitters: Uncertain significance (1). 1 of the submissions does not count toward it. Last evaluated 2019-05-13.

Conditions:
Hereditary pheochromocytoma and paraganglioma. Also called: Hereditary Paraganglioma-Pheochromocytoma Syndromes; Hereditary pheochromocytoma-paraganglioma; Hereditary paragangliomas and pheochromocytomas. Identifiers: Orphanet 29072, MedGen C4274332, MONDO:0017366.
Pheochromocytoma/paraganglioma syndrome 4. Also called: PARAGANGLIOMA, FAMILIAL MALIGNANT; PARAGANGLIOMAS, HEREDITARY EXTRAADRENAL; PHEOCHROMOCYTOMA, FAMILIAL EXTRAADRENAL; Paragangliomas 4; CAROTID BODY TUMORS AND MULTIPLE EXTRAADRENAL PHEOCHROMOCYTOMAS; SDHB-Related Hereditary Paraganglioma-Pheochromocytoma Syndrome (Paragangliomas 4). Identifiers: Orphanet 29072, MedGen C1861848, MONDO:0007273, OMIM 115310.
Gastrointestinal stromal tumor. Also called: Gastrointestinal stroma tumor; Gastrointestinal stromal tumor, somatic. Identifiers: Orphanet 44890, MedGen C0238198, MeSH D046152, MONDO:0011719, OMIM 606764, HP:0100723.
Pheochromocytoma. Also called: MAX-Related Hereditary Paraganglioma-Pheochromocytoma Syndrome. Identifiers: Orphanet 29072, MedGen C0031511, MONDO:0008233, OMIM 171300, HP:0002666.

Submissions (2):

Labcorp Genetics (formerly Invitae), Labcorp
Classification: Uncertain significance for Gastrointestinal stromal tumor; Pheochromocytoma/paraganglioma syndrome 4; Pheochromocytoma. Last evaluated: 2019-05-13. Review status: criteria provided, single submitter. Criteria: Invitae Variant Classification Sherloc (09022015). Collection method: clinical testing. Allele origin: germline.
Comment: In summary, the available evidence is currently insufficient to determine the role of this variant in disease. Therefore, it has been classified as a Variant of Uncertain Significance. Algorithms developed to predict the effect of sequence changes on RNA splicing suggest that this variant may disrupt the consensus splice site, but this prediction has not been confirmed by published transcriptional studies. This variant has been observed in an individual affected with paraganglioma (PMID: 16912137). ClinVar contains an entry for this variant (Variation ID: 438411). This variant is not present in population databases (ExAC no frequency). This sequence change falls in intron 1 of the SDHB gene. It does not directly change the encoded amino acid sequence of the SDHB protein.

Section on Medical Neuroendocrinolgy, National Institutes of Health
Classification: Pathogenic for Hereditary pheochromocytoma and paraganglioma. Review status: no assertion criteria provided. Collection method: research. Allele origin: germline. Affected: yes. Not counted in ClinVar's aggregate classification.

Literature cited by the submitters: PubMed 16912137 (cited by Labcorp Genetics (formerly Invitae), Labcorp).

NM_003000.3(SDHB):c.73-9A>G

Gene: SDHB (succinate dehydrogenase complex iron sulfur subunit B; minus strand). Cytogenetic location: 1p36.13.
Variant type: single nucleotide variant.
Coding change: c.73-9A>G on transcript NM_003000.3 (MANE Select); 9 bases into the intron before coding-DNA position 73, A replaced by G.
Molecular consequence: intron variant.
Genome position (GRCh38, 1-based): chr1:17,044,897, T>C on the plus strand (A>G on the coding strand, the complement: SDHB is on the minus strand). VCF-style: chr1-17044897-T-C. GRCh37 (hg19) VCF-style: chr1-17371392-T-C.
Identifiers: ClinVar variation 438411 (VCV000438411.8), dbSNP rs1553178757, ClinGen allele CA645509073.